The following is an entry in ClinVar:

ClinVar aggregate classification (germline): Conflicting classifications of pathogenicity. Review status: criteria provided, conflicting classifications (1 of 4 stars). 2 submissions from 2 submitters: Uncertain significance (1); Likely benign (1). Last evaluated 2025-02-13.

Conditions:
Cardiovascular phenotype. Identifiers: MedGen CN230736.
Long QT syndrome (LQTS). Identifiers: MedGen C0023976, MeSH D008133, MONDO:0002442. Disease mechanism: loss of function. Inheritance: Various modes of inheritance.

Allele frequency attached by ClinVar (database versions not stated): ExAC 0.00002; gnomAD exomes 0.00003.
gnomAD v4.1: 8 of 1,614,006 alleles (0.0005%); highest among the groups gnomAD compares: East Asian, 0.016%; no homozygotes.

Submissions (2):

Ambry Genetics
Classification: Likely benign for Cardiovascular phenotype. Last evaluated: 2025-02-13. Review status: criteria provided, single submitter. Criteria: Ambry Variant Classification Scheme 2023. Collection method: clinical testing. Allele origin: germline.

Labcorp Genetics (formerly Invitae), Labcorp
Classification: Uncertain significance for Long QT syndrome. Last evaluated: 2024-09-24. Review status: criteria provided, single submitter. Criteria: Invitae Variant Classification Sherloc (09022015). Collection method: clinical testing. Allele origin: germline.
Comment: This sequence change replaces serine, which is neutral and polar, with arginine, which is basic and polar, at codon 2383 of the AKAP9 protein (p.Ser2383Arg). This variant is present in population databases (rs765144371, gnomAD 0.04%). This variant has not been reported in the literature in individuals affected with AKAP9-related conditions. ClinVar contains an entry for this variant (Variation ID: 1486854). An algorithm developed to predict the effect of missense changes on protein structure and function (PolyPhen-2) suggests that this variant is likely to be disruptive. In summary, the available evidence is currently insufficient to determine the role of this variant in disease. Therefore, it has been classified as a Variant of Uncertain Significance.

NM_005751.5(AKAP9):c.7147A>C (p.Ser2383Arg)

Gene: AKAP9 (A-kinase anchoring protein 9; plus strand). Cytogenetic location: 7q21.2.
Variant type: single nucleotide variant.
Coding change: c.7147A>C on transcript NM_005751.5 (MANE Select); coding-DNA position 7147, A replaced by C.
Protein change: p.Ser2383Arg; replaces serine 2383 with arginine.
Molecular consequence: missense variant.
Genome position (GRCh38, 1-based): chr7:92,079,280, A>C. VCF-style: chr7-92079280-A-C. GRCh37 (hg19) VCF-style: chr7-91708594-A-C.
Other names: c.1792A>C, p.Ser598Arg (NM_001379277.1); c.7123A>C, p.Ser2375Arg (NM_147185.3); c.7147A>C (NM_005751.4); short protein forms S2383R, S2375R, S598R.
Identifiers: ClinVar variation 1486854 (VCV001486854.10), dbSNP rs765144371, ClinGen allele CA4337241.